The following is an entry in ClinVar:

NM_000051.4(ATM):c.8904G>T (p.Leu2968Phe)

Genes: ATM (ATM serine/threonine kinase; plus strand), C11orf65 (chromosome 11 open reading frame 65; minus strand). Cytogenetic location: 11q22.3.
Variant type: single nucleotide variant.
Coding change: c.8904G>T on transcript NM_000051.4 (MANE Select); coding-DNA position 8904, G replaced by T.
Protein change: p.Leu2968Phe; replaces leucine 2968 with phenylalanine.
Molecular consequence: missense variant. On other transcripts: intron variant (2).
Genome position (GRCh38, 1-based): chr11:108,365,135, G>T. VCF-style: chr11-108365135-G-T. GRCh37 (hg19) VCF-style: chr11-108235862-G-T.
Other names: c.8904G>T, p.Leu2968Phe (NM_001351834.2); c.640+20785C>A (NM_001330368.2); c.694+20785C>A (NM_001351110.2); short protein forms L2968F.
Identifiers: ClinVar variation 485241 (VCV000485241.10), dbSNP rs1555151326, ClinGen allele CA382529841.

ClinVar aggregate classification (germline): Uncertain significance. Review status: criteria provided, multiple submitters, no conflicts (2 of 4 stars). 2 submissions from 2 submitters: Uncertain significance (2). Last evaluated 2024-01-17.

Conditions:
Hereditary cancer-predisposing syndrome. Also called: Neoplastic Syndromes, Hereditary; Hereditary Cancer Syndrome; Tumor predisposition; Hereditary neoplastic syndrome. Identifiers: Orphanet 140162, MedGen C0027672, MeSH D009386, MONDO:0015356.
Ataxia-telangiectasia syndrome (AT). Also called: LOUIS-BAR SYNDROME; Cerebello-oculocutaneous telangiectasia; Immunodeficiency with ataxia telangiectasia; Ataxia-telangiectasia, complementation group D; AT, COMPLEMENTATION GROUP C; Ataxia-telangiectasia, complementation group E. Identifiers: Orphanet 100, MedGen C0004135, MONDO:0008840, OMIM 208900.

Submissions (2):

Labcorp Genetics (formerly Invitae), Labcorp
Classification: Uncertain significance for Ataxia-telangiectasia syndrome. Last evaluated: 2024-01-17. Review status: criteria provided, single submitter. Criteria: Invitae Variant Classification Sherloc (09022015). Collection method: clinical testing. Allele origin: germline.
Comment: This sequence change replaces leucine, which is neutral and non-polar, with phenylalanine, which is neutral and non-polar, at codon 2968 of the ATM protein (p.Leu2968Phe). This variant is not present in population databases (gnomAD no frequency). This variant has not been reported in the literature in individuals affected with ATM-related conditions. ClinVar contains an entry for this variant (Variation ID: 485241). An algorithm developed to predict the effect of missense changes on protein structure and function (PolyPhen-2) suggests that this variant is likely to be tolerated. In summary, the available evidence is currently insufficient to determine the role of this variant in disease. Therefore, it has been classified as a Variant of Uncertain Significance.

Ambry Genetics
Classification: Uncertain significance for Hereditary cancer-predisposing syndrome. Last evaluated: 2017-08-15. Review status: criteria provided, single submitter. Criteria: Ambry Variant Classification Scheme 2023. Collection method: clinical testing. Allele origin: germline.
Comment: The p.L2968F variant (also known as c.8904G>T), located in coding exon 61 of the ATM gene, results from a G to T substitution at nucleotide position 8904. The leucine at codon 2968 is replaced by phenylalanine, an amino acid with highly similar properties. This amino acid position is well conserved in available vertebrate species. In addition, this alteration is predicted to be tolerated by in silico analysis. Since supporting evidence is limited at this time, the clinical significance of this alteration remains unclear.